The following is an entry in ClinVar:

NM_003172.4(SURF1):c.796dup (p.Thr266fs)

Gene: SURF1 (SURF1 cytochrome c oxidase assembly factor; minus strand). Cytogenetic location: 9q34.2.
Variant type: Duplication.
Coding change: c.796dup on transcript NM_003172.4 (MANE Select); coding-DNA position 796, one base duplicated (A; older notation c.796dupA).
Protein change: p.Thr266fs; shifts the reading frame from threonine 266.
Molecular consequence: frameshift variant.
Genome position (GRCh38, 1-based): chr9:133,352,098, T duplicated on the plus strand (A on the coding strand, the reverse complement: SURF1 is on the minus strand). VCF-style (leftmost placement, unchanged base first): chr9-133352097-G-GT. GRCh37 (hg19) VCF-style: chr9-136218952-G-GT.
Other names: c.796dupA (NM_003172.2); c.469dup, p.Thr157fs (NM_001280787.1); short protein forms T157fs, T266fs.
Identifiers: ClinVar variation 524066 (VCV000524066.3), dbSNP rs1554768236, ClinGen allele CA658797339.

ClinVar aggregate classification (germline): Likely pathogenic (1 of 4 stars; one submission).

Submission:

GeneDx
Classification: Likely pathogenic. Last evaluated: 2021-02-24. Review status: criteria provided, single submitter. Criteria: GeneDx Variant Classification Process June 2021. Collection method: clinical testing. Allele origin: germline. Affected: yes.
Comment: Has not been previously published as pathogenic or benign to our knowledge; Frameshift variant in the C-terminus predicted to result in protein truncation, as the last 35 amino acids are lost and replaced with 25 incorrect amino acids; Not observed in large population cohorts (Lek et al., 2016)